The following is an entry in ClinVar:

NM_001160372.4(TRAPPC9):c.2338T>C (p.Leu780=)

Gene: TRAPPC9 (trafficking protein particle complex subunit 9; minus strand). Cytogenetic location: 8q24.3.
Variant type: single nucleotide variant.
Coding change: c.2338T>C on transcript NM_001160372.4 (MANE Select); coding-DNA position 2338, T replaced by C.
Protein change: p.Leu780=; no amino-acid change (leucine 780 retained).
Molecular consequence: synonymous variant. On other transcripts: non-coding transcript variant (1).
Genome position (GRCh38, 1-based): chr8:140,252,870, A>G on the plus strand (T>C on the coding strand, the complement: TRAPPC9 is on the minus strand). VCF-style: chr8-140252870-A-G. GRCh37 (hg19) VCF-style: chr8-141262969-A-G.
Other names: c.2311T>C, p.Leu771= (NM_001321646.2); c.2359T>C, p.Leu787= (NM_001374682.1); c.2338T>C, p.Leu780= (NM_001374683.1, NM_031466.8); c.2194T>C, p.Leu732= (NM_001374684.1).
Identifiers: ClinVar variation 4534476 (VCV004534476.6).
Genomic context (GRCh38, chr8:140,252,870, plus strand): 5'-AGGAGAAATCCAGCTTCACTTTGATGTTGATTGTGAACGTGGCCACCTTCCCAGGCTGCA[A>G]AGGGAACTGGGCAAGGGTTTCCTCTAGCTTCCAGCTCAAGAAGTCGCCATACAATTTTTC-3'
Protein context (NP_001153844.1, residues 770-790): KLEETLAQFP[Leu780=]QPGKVATFTI

ClinVar aggregate classification (germline): Likely benign (1 of 4 stars; one submission).

gnomAD v4.1: 8 of 1,614,122 alleles (0.0005%); highest among the groups gnomAD compares: Non-Finnish European, 0.00068%; no homozygotes.

Submission:

CeGaT Center for Human Genetics Tuebingen
Classification: Likely benign. Last evaluated: 2025-10-01. Review status: criteria provided, single submitter. Criteria: CeGaT Center For Human Genetics Tuebingen Variant Classification Criteria Version 2. Collection method: clinical testing. Allele origin: germline. Affected: yes. Observed: 1 variant allele.
Comment: TRAPPC9: BP4, BP7